The following is an entry in ClinVar:

ClinVar aggregate classification (germline): Uncertain significance (1 of 4 stars; one submission).

Allele frequency attached by ClinVar (database versions not stated): gnomAD exomes below 0.00001; ExAC 0.00005.
gnomAD v4.1: 2 of 1,408,906 alleles (0.00014%); highest among the groups gnomAD compares: Admixed American, 0.0026%; no homozygotes.

Submission:

CeGaT Center for Human Genetics Tuebingen
Classification: Uncertain significance. Last evaluated: 2022-12-01. Review status: criteria provided, single submitter. Criteria: CeGaT Center For Human Genetics Tuebingen Variant Classification Criteria Version 2. Collection method: clinical testing. Allele origin: germline. Affected: yes. Observed: 1 variant allele.
Comment: STUB1: PP3

NM_005861.4(STUB1):c.76G>A (p.Ala26Thr)

Gene: STUB1 (STIP1 homology and U-box containing protein 1; plus strand). Cytogenetic location: 16p13.3.
Variant type: single nucleotide variant.
Coding change: c.76G>A on transcript NM_005861.4 (MANE Select); coding-DNA position 76, G replaced by A.
Protein change: p.Ala26Thr; replaces alanine 26 with threonine.
Molecular consequence: missense variant. On other transcripts: 5 prime UTR variant (1).
Genome position (GRCh38, 1-based): chr16:680,601, G>A. VCF-style: chr16-680601-G-A. GRCh37 (hg19) VCF-style: chr16-730601-G-A.
Other names: c.-230G>A (NM_001293197.2); short protein forms A26T.
Identifiers: ClinVar variation 2645844 (VCV002645844.24), dbSNP rs774604020, ClinGen allele CA7786514.